The following is an entry in ClinVar:

NM_000404.4(GLB1):c.245+6T>C

Gene: GLB1 (galactosidase beta 1; minus strand). Cytogenetic location: 3p22.3.
Variant type: single nucleotide variant.
Coding change: c.245+6T>C on transcript NM_000404.4 (MANE Select); 6 bases into the intron after coding-DNA position 245, T replaced by C.
Molecular consequence: intron variant.
Genome position (GRCh38, 1-based): chr3:33,072,538, A>G on the plus strand (T>C on the coding strand, the complement: GLB1 is on the minus strand). VCF-style: chr3-33072538-A-G. GRCh37 (hg19) VCF-style: chr3-33114030-A-G.
Other names: c.245+6T>C (NM_001393580.1, NM_001135602.3); c.389+6T>C (NM_001317040.2); c.155+6T>C (NM_001079811.3).
Identifiers: ClinVar variation 2127795 (VCV002127795.4), dbSNP rs1360692927, ClinGen allele CA542612936.
Genomic context (GRCh38, chr3:33,072,538, plus strand): 5'-CAGTTGTATCTTCTCTCCAGAGTGGGTGTTCAGGCCTAGGTGAGAGCCACATGCCCTCCT[A>G]CTTACGTCTGGATGGCGTTCAGCCCAGCCATCTTCATCTTCAGCAGCCGGTCCTTCCAGT-3'

ClinVar aggregate classification (germline): Uncertain significance (1 of 4 stars; one submission).

Conditions:
Mucopolysaccharidosis, MPS-IV-B (MPS4B). Also called: Mucopolysaccharidosis type IV B; Mucopolysaccharidosis Type IVB; Mucopolysaccharidosis type IVB (Morquio); MPS IVB; MORQUIO SYNDROME B; Mucopolysaccharidosis Type IVB (Morquio B Disease). Identifiers: Orphanet 309310, Orphanet 582, MedGen C0086652, MONDO:0009660, OMIM 253010.
GM1 gangliosidosis. Identifiers: Orphanet 354, MedGen C0085131, MONDO:0018149.

Allele frequency attached by ClinVar (database versions not stated): gnomAD exomes below 0.00001.
gnomAD v4.1: 2 of 1,612,826 alleles (0.00012%); highest among the groups gnomAD compares: Non-Finnish European, 0.00017%; no homozygotes.

Submission:

Labcorp Genetics (formerly Invitae), Labcorp
Classification: Uncertain significance for Mucopolysaccharidosis, MPS-IV-B; GM1 gangliosidosis. Last evaluated: 2026-01-19. Review status: criteria provided, single submitter. Criteria: Invitae Variant Classification Sherloc (09022015). Collection method: clinical testing. Allele origin: germline.
Comment: This sequence change falls in intron 2 of the GLB1 gene. It does not directly change the encoded amino acid sequence of the GLB1 protein. It affects a nucleotide within the consensus splice site. This variant is present in population databases (no rsID available, gnomAD 0.0009%). This variant has not been reported in the literature in individuals affected with GLB1-related conditions. ClinVar contains an entry for this variant (Variation ID: 2127795). Variants that disrupt the consensus splice site are a relatively common cause of aberrant splicing (PMID: 17576681, 9536098). Algorithms developed to predict the effect of sequence changes on RNA splicing suggest that this variant is not likely to affect RNA splicing. In summary, the available evidence is currently insufficient to determine the role of this variant in disease. Therefore, it has been classified as a Variant of Uncertain Significance.

Literature cited by the submitters: PubMed 17576681; PubMed 9536098.